The following is an entry in ClinVar:

NM_014141.6(CNTNAP2):c.860G>A (p.Ser287Asn)

Gene: CNTNAP2 (contactin associated protein 2; plus strand). Cytogenetic location: 7q35.
Variant type: single nucleotide variant.
Coding change: c.860G>A on transcript NM_014141.6 (MANE Select); coding-DNA position 860, G replaced by A.
Protein change: p.Ser287Asn; replaces serine 287 with asparagine.
Molecular consequence: missense variant.
Genome position (GRCh38, 1-based): chr7:147,121,084, G>A. VCF-style: chr7-147121084-G-A. GRCh37 (hg19) VCF-style: chr7-146818176-G-A.
Other names: short protein forms S287N.
Identifiers: ClinVar variation 933268 (VCV000933268.5), dbSNP rs140716136, ClinGen allele CA4545905.

ClinVar aggregate classification (germline): Uncertain significance (1 of 4 stars; one submission).

Conditions:
Cortical dysplasia-focal epilepsy syndrome (PTHSL1). Also called: Pitt-Hopkins-like syndrome 1. Identifiers: Orphanet 163681, Orphanet 221150, MedGen C2750246, MONDO:0012400, OMIM 610042.

Allele frequency attached by ClinVar (database versions not stated): gnomAD 0.00001; TOPMed 0.00001; ExAC 0.00006.

Submission:

Labcorp Genetics (formerly Invitae), Labcorp
Classification: Uncertain significance for Cortical dysplasia-focal epilepsy syndrome. Last evaluated: 2022-07-18. Review status: criteria provided, single submitter. Criteria: Invitae Variant Classification Sherloc (09022015). Collection method: clinical testing. Allele origin: germline.
Comment: This sequence change replaces serine, which is neutral and polar, with asparagine, which is neutral and polar, at codon 287 of the CNTNAP2 protein (p.Ser287Asn). This variant is present in population databases (rs140716136, gnomAD 0.01%). This variant has not been reported in the literature in individuals affected with CNTNAP2-related conditions. ClinVar contains an entry for this variant (Variation ID: 933268). Algorithms developed to predict the effect of missense changes on protein structure and function output the following: SIFT: "Tolerated"; PolyPhen-2: "Benign"; Align-GVGD: "Class C0". The asparagine amino acid residue is found in multiple mammalian species, which suggests that this missense change does not adversely affect protein function. In summary, the available evidence is currently insufficient to determine the role of this variant in disease. Therefore, it has been classified as a Variant of Uncertain Significance.